The following is an entry in ClinVar:

NM_024675.4(PALB2):c.1286_1289del (p.Ile429fs)

Gene: PALB2 (partner and localizer of BRCA2; minus strand). Cytogenetic location: 16p12.2.
Variant type: Deletion.
Coding change: c.1286_1289del on transcript NM_024675.4 (MANE Select); coding-DNA positions 1286 to 1289, 4 bases deleted (TTCA; older notation c.1286_1289delTTCA).
Protein change: p.Ile429fs; shifts the reading frame from isoleucine 429.
Molecular consequence: frameshift variant. On other transcripts: intron variant (3).
Genome position (GRCh38, 1-based): chr16:23,635,257-23,635,260, TGAA deleted on the plus strand (TTCA on the coding strand, the reverse complement: PALB2 is on the minus strand); deleting any 4 consecutive bases within chr16:23,635,257-23,635,263 gives the same sequence; the c. name uses the placement nearest the transcript's 3' end. VCF-style (leftmost placement, unchanged base first): chr16-23635256-CTGAA-C. GRCh37 (hg19) VCF-style: chr16-23646577-CTGAA-C.
Other names: c.401_404del, p.Ile134fs (NM_001407304.1, NM_001407305.1, NM_001407306.1 and 5 more transcripts); c.48+5850_48+5853del (NM_001407314.1); c.-104-4791_-104-4788del (NM_001407313.1, NM_001407312.1); c.1226_1229del, p.Ile409fs (NM_001407296.1); c.1286_1289del, p.Ile429fs (NM_001407297.1, NM_001407298.1, NM_001407299.1 and 3 more transcripts); short protein forms I134fs, I409fs, I429fs.
Identifiers: ClinVar variation 2774013 (VCV002774013.4), dbSNP rs2506482665, ClinGen allele CA2697555746.
Genomic context (GRCh38, chr16:23,635,256, plus strand): 5'-ATTTTTACTTGCATCCTTATTTTTATTTTTAAACCCTTTTTTCTTGACATCCAAATGACT[CTGAA>C]TGACAGCCTCCACGGCTACTTTCCTCTGGCAATTGGACATGCTTCGTGTTGTTCTAACAT-3'

ClinVar aggregate classification (germline): Pathogenic. Review status: criteria provided, multiple submitters, no conflicts (2 of 4 stars). 2 submissions from 2 submitters: Pathogenic (2). Last evaluated 2024-05-16.

Conditions:
Breast-ovarian cancer, familial, susceptibility to, 5 (BROVCA5). Identifiers: MedGen C5830615, MONDO:0957530, OMIM 620442.
Hereditary cancer-predisposing syndrome. Also called: Neoplastic Syndromes, Hereditary; Tumor predisposition; Hereditary neoplastic syndrome; Hereditary Cancer Syndrome. Identifiers: Orphanet 140162, MedGen C0027672, MeSH D009386, MONDO:0015356.

Submissions (2):

Dasa
Classification: Pathogenic for Breast-ovarian cancer, familial, susceptibility to, 5. Last evaluated: 2024-05-16. Review status: criteria provided, single submitter. Criteria: DASA Assertion Criteria. Collection method: clinical testing. Allele origin: germline.
Comment: NM_024675.4(PALB2):c.1286_1289del (p.Ile429Argfs*22) is a frameshift variant in PALB2 predicted to alter the reading frame and introduce a premature termination codon. Loss of function is an established disease mechanism for PALB2 (PMID: 17200668; PMID: 25099575; PMID: 31841383). Based on the currently available evidence, this variant is classified as pathogenic.

Color Diagnostics, LLC DBA Color Health
Classification: Pathogenic for Hereditary cancer-predisposing syndrome. Last evaluated: 2023-02-07. Review status: criteria provided, single submitter. Criteria: ACMG Guidelines, 2015. Collection method: clinical testing. Allele origin: germline.
Comment: This variant deletes 4 nucleotides in exon 4 of the PALB2 gene, creating a frameshift and premature translation stop signal. This variant is expected to result in an absent or non-functional protein product. To our knowledge, this variant has not been reported in individuals affected with PALB2-related disorders in the literature. This variant has not been identified in the general population by the Genome Aggregation Database (gnomAD). Loss of PALB2 function is a known mechanism of disease. Based on the available evidence, this variant is classified as Pathogenic.

Literature cited by the submitters: PubMed 17200668 (cited by Dasa); PubMed 25099575 (cited by Dasa); PubMed 31841383 (cited by Dasa).